The following is an entry in ClinVar:

NM_001378615.1(CC2D2A):c.2561G>A (p.Trp854Ter)

Genes: CC2D2A (coiled-coil and C2 domain containing 2A; plus strand), FBXL5 (F-box and leucine rich repeat protein 5; minus strand). Cytogenetic location: 4p15.32.
Variant type: single nucleotide variant.
Coding change: c.2561G>A on transcript NM_001378615.1 (MANE Select); coding-DNA position 2561, G replaced by A.
Protein change: p.Trp854Ter; replaces tryptophan 854 with a stop codon.
Molecular consequence: nonsense.
Genome position (GRCh38, 1-based): chr4:15,555,146, G>A. VCF-style: chr4-15555146-G-A. GRCh37 (hg19) VCF-style: chr4-15556769-G-A.
Other names: c.2561G>A, p.Trp854Ter (NM_001080522.2); c.2414G>A, p.Trp805Ter (NM_001378617.1); short protein forms W854*, W805*.
Identifiers: ClinVar variation 634560 (VCV000634560.12), dbSNP rs1560180188, ClinGen allele CA356420587.

ClinVar aggregate classification (germline): Pathogenic/Likely pathogenic. Review status: criteria provided, multiple submitters, no conflicts (2 of 4 stars). 4 submissions from 4 submitters: Pathogenic (3); Likely pathogenic (1). Last evaluated 2024-08-01.

Conditions:
Joubert syndrome. Also called: JOUBERT-BOLTSHAUSER SYNDROME; Familial aplasia of the vermis. Identifiers: Orphanet 475, MedGen C5979921, MONDO:0018772.
Meckel-Gruber syndrome. Also called: Dysencephalia splachnocystica; DYSENCEPHALIA SPLANCHNOCYSTICA; GRUBER SYNDROME. Identifiers: Orphanet 564, MedGen C0265215, MONDO:0018921.
Joubert syndrome 9 (JBTS9). Identifiers: Orphanet 2318, MedGen C2676788, MONDO:0012849, OMIM 612285.
Meckel syndrome, type 6. Identifiers: Orphanet 564, MedGen C2676790, MONDO:0012848, OMIM 612284.
Retinitis pigmentosa 93. Identifiers: MedGen C5676970, MONDO:0030797, OMIM 619845.
COACH syndrome 2. Identifiers: MedGen C5436837, MONDO:0030859, OMIM 619111.
Joubert syndrome and related disorders. Identifiers: Orphanet 140874, MedGen C5679612, MONDO:0015369.

Allele frequency attached by ClinVar (database versions not stated): TOPMed below 0.00001.

Submissions (4):

Myriad Genetics, Inc.
Classification: Pathogenic for Joubert syndrome and related disorders. Last evaluated: 2024-08-01. Review status: criteria provided, single submitter. Criteria: Myriad Autosomal Dominant, Autosomal Recessive and X-Linked Classification Criteria (2023). Collection method: clinical testing. Allele origin: unknown.
Comment: NM_001080522.2(CC2D2A):c.2561G>A(W854*) is expected to be pathogenic in the context of CC2D2A-related disorders. This variant is predicted to lead to an abnormal or absent protein product due to the creation of a premature termination codon in CC2D2A, a gene where loss-of-function variants are known to be pathogenic. Please note: this variant was assessed in the context of healthy population screening.

Fulgent Genetics
Classification: Likely pathogenic for Meckel syndrome, type 6; Joubert syndrome 9; COACH syndrome 2; Retinitis pigmentosa 93. Last evaluated: 2024-06-19. Review status: criteria provided, single submitter. Criteria: ACMG Guidelines, 2015. Collection method: clinical testing. Allele origin: germline.

Labcorp Genetics (formerly Invitae), Labcorp
Classification: Pathogenic for Joubert syndrome; Meckel-Gruber syndrome. Last evaluated: 2022-07-19. Review status: criteria provided, single submitter. Criteria: Invitae Variant Classification Sherloc (09022015). Collection method: clinical testing. Allele origin: germline.
Comment: This variant is not present in population databases (gnomAD no frequency). This sequence change creates a premature translational stop signal (p.Trp854*) in the CC2D2A gene. It is expected to result in an absent or disrupted protein product. Loss-of-function variants in CC2D2A are known to be pathogenic (PMID: 19777577). This variant has not been reported in the literature in individuals affected with CC2D2A-related conditions. For these reasons, this variant has been classified as Pathogenic. Algorithms developed to predict the effect of sequence changes on RNA splicing suggest that this variant may create or strengthen a splice site. ClinVar contains an entry for this variant (Variation ID: 634560).

Genomic Research Center, Shahid Beheshti University of Medical Sciences
Classification: Pathogenic. Last evaluated: 2019-01-01. Review status: criteria provided, single submitter. Criteria: ACMG Guidelines, 2015. Collection method: research. Allele origin: unknown. Affected: no. Observed: 1 variant allele.

Literature cited by the submitters: PubMed 19777577 (cited by Labcorp Genetics (formerly Invitae), Labcorp).